The following is an entry in ClinVar:

ClinVar aggregate classification (germline): Uncertain significance (1 of 4 stars; one submission).

Allele frequency attached by ClinVar (database versions not stated): gnomAD exomes below 0.00001.
gnomAD v4.1: 1 of 1,614,156 alleles (0.000062%); highest among the groups gnomAD compares: Admixed American, 0.0017%; no homozygotes.

Submission:

Labcorp Genetics (formerly Invitae), Labcorp
Classification: Uncertain significance. Last evaluated: 2022-09-23. Review status: criteria provided, single submitter. Criteria: Invitae Variant Classification Sherloc (09022015). Collection method: clinical testing. Allele origin: germline.
Comment: In summary, the available evidence is currently insufficient to determine the role of this variant in disease. Therefore, it has been classified as a Variant of Uncertain Significance. Algorithms developed to predict the effect of missense changes on protein structure and function are either unavailable or do not agree on the potential impact of this missense change (SIFT: "Deleterious"; PolyPhen-2: "Benign"; Align-GVGD: "Class C15"). This variant has not been reported in the literature in individuals affected with LYN-related conditions. This variant is present in population databases (no rsID available, gnomAD 0.003%). This sequence change replaces glutamic acid, which is acidic and polar, with glycine, which is neutral and non-polar, at codon 482 of the LYN protein (p.Glu482Gly).

NM_002350.4(LYN):c.1445A>G (p.Glu482Gly)

Gene: LYN (LYN proto-oncogene, Src family tyrosine kinase; plus strand). Cytogenetic location: 8q12.1.
Variant type: single nucleotide variant.
Coding change: c.1445A>G on transcript NM_002350.4 (MANE Select); coding-DNA position 1445, A replaced by G.
Protein change: p.Glu482Gly; replaces glutamic acid 482 with glycine.
Molecular consequence: missense variant.
Genome position (GRCh38, 1-based): chr8:56,010,016, A>G. VCF-style: chr8-56010016-A-G. GRCh37 (hg19) VCF-style: chr8-56922575-A-G.
Other names: c.1382A>G, p.Glu461Gly (NM_001111097.3); short protein forms E461G, E482G.
Identifiers: ClinVar variation 1973824 (VCV001973824.5), dbSNP rs1428596452, ClinGen allele CA371276734.